The following is an entry in ClinVar:

NM_003242.6(TGFBR2):c.95-7T>C

Gene: TGFBR2 (transforming growth factor beta receptor 2; plus strand). Cytogenetic location: 3p24.1.
Variant type: single nucleotide variant.
Coding change: c.95-7T>C on transcript NM_003242.6 (MANE Select); 7 bases into the intron before coding-DNA position 95, T replaced by C.
Molecular consequence: intron variant.
Genome position (GRCh38, 1-based): chr3:30,644,740, T>C. VCF-style: chr3-30644740-T-C. GRCh37 (hg19) VCF-style: chr3-30686232-T-C.
Other names: c.-11-7T>C (NM_001407129.1, NM_001407132.1, NM_001407136.1 and 3 more transcripts); c.170-7T>C (NM_001407126.1, NM_001024847.3, NM_001407139.1); c.169+21467T>C (NM_001407137.1); c.95-7T>C (NM_001407127.1, NM_001407130.1, NM_003242.5); c.95-26898T>C (NM_001407138.1); c.122-7T>C (NM_001407128.1).
Identifiers: ClinVar variation 628867 (VCV000628867.13), dbSNP rs764533083, ClinGen allele CA050672.

ClinVar aggregate classification (germline): Benign/Likely benign. Review status: criteria provided, multiple submitters, no conflicts (2 of 4 stars). 4 submissions from 4 submitters: Benign (1); Likely benign (2). 1 of the submissions does not count toward it. Last evaluated 2025-12-31.

Conditions:
Familial thoracic aortic aneurysm and aortic dissection (TAAD). Also called: Thoracic aortic aneurysms and dissections. Identifiers: Orphanet 91387, MedGen C4707243, MONDO:0019625.
TGFBR2-related disorder. Also called: TGFBR2-related condition.
Diabetic retinopathy. Identifiers: MedGen C0011884, MONDO:0005266.

Allele frequency attached by ClinVar (database versions not stated): gnomAD 0.00005; TOPMed 0.00005.
gnomAD v4.1: 52 of 1,613,734 alleles (0.0032%); highest among the groups gnomAD compares: Non-Finnish European, 0.00085%; no homozygotes.

Submissions (4):

Labcorp Genetics (formerly Invitae), Labcorp
Classification: Benign for Familial thoracic aortic aneurysm and aortic dissection. Last evaluated: 2025-12-31. Review status: criteria provided, single submitter. Criteria: Invitae Variant Classification Sherloc (09022015). Collection method: clinical testing. Allele origin: germline.

Color Diagnostics, LLC DBA Color Health
Classification: Likely benign for Familial thoracic aortic aneurysm and aortic dissection. Last evaluated: 2018-07-15. Review status: criteria provided, single submitter. Criteria: ACMG Guidelines, 2015. Collection method: clinical testing. Allele origin: germline.

Clinical Genomics, Uppaluri K&H Personalized Medicine Clinic
Classification: Likely benign for Diabetic retinopathy. Review status: criteria provided, single submitter. Criteria: K And H Uppaluri Personalized Medicine Clinic Variant Classification And Assertion Criteria Updated V 2. Collection method: research. Allele origin: unknown.
Comment: Potent mutations in TGFBR2 gene encodes the transforming growth factor that have been associated with angiogenesis and diabetic retinopathy. More clinical studies are needed for stronger association. However, more evidence is required to confer the association of this particular variant rs764533083 with diabetic retinopathy.

PreventionGenetics, part of Exact Sciences
Classification: Likely benign for TGFBR2-related condition. Last evaluated: 2020-05-07. Review status: no assertion criteria provided. Collection method: clinical testing. Allele origin: germline. Not counted in ClinVar's aggregate classification.
Comment: This variant is classified as likely benign based on ACMG/AMP sequence variant interpretation guidelines (Richards et al. 2015 PMID: 25741868, with internal and published modifications).

Literature cited by the submitters: PubMed 30222965 (cited by Clinical Genomics, Uppaluri K&H Personalized Medicine Clinic); PubMed 28162229 (cited by Clinical Genomics, Uppaluri K&H Personalized Medicine Clinic); PubMed 34572573 (cited by Clinical Genomics, Uppaluri K&H Personalized Medicine Clinic).